The following is an entry in ClinVar:

ClinVar aggregate classification (germline): Likely benign. Review status: criteria provided, multiple submitters, no conflicts (2 of 4 stars). 3 submissions from 3 submitters: Likely benign (3). Last evaluated 2026-09-26.

Conditions:
ATP7B-related disorder. Also called: ATP7B-related condition.
Wilson disease (WND). Also called: Wilson's disease. Identifiers: Orphanet 905, MedGen C0019202, MONDO:0010200, OMIM 277900. Disease mechanism: loss of function.

Allele frequency attached by ClinVar (database versions not stated): TOPMed below 0.00001; gnomAD 0.00001 and 0.00008; gnomAD exomes 0.00027; ExAC 0.00030; 1000 Genomes Project 30x 0.00047; 1000 Genomes Project 0.00060.
gnomAD v4.1: 196 of 1,613,808 alleles (0.012%); highest among the groups gnomAD compares: South Asian, 0.2%; 2 homozygotes.

Submissions (3):

PreventionGenetics, part of Exact Sciences
Classification: Likely benign for ATP7B-related condition. Last evaluated: 2026-09-26. Review status: criteria provided, single submitter. Criteria: ACMG Guidelines, 2015. Collection method: clinical testing. Allele origin: germline.
Comment: This variant is classified as likely benign based on ACMG/AMP sequence variant interpretation guidelines (Richards et al. 2015 PMID: 25741868, with internal and published modifications).

Labcorp Genetics (formerly Invitae), Labcorp
Classification: Likely benign for Wilson disease. Last evaluated: 2026-01-28. Review status: criteria provided, single submitter. Criteria: Invitae Variant Classification Sherloc (09022015). Collection method: clinical testing. Allele origin: germline.

Color Diagnostics, LLC DBA Color Health
Classification: Likely benign for Wilson disease. Last evaluated: 2025-06-24. Review status: criteria provided, single submitter. Criteria: ACMG Guidelines, 2015. Collection method: clinical testing. Allele origin: germline.

NM_000053.4(ATP7B):c.1883A>G (p.His628Arg)

Gene: ATP7B (ATPase copper transporting beta; minus strand). Cytogenetic location: 13q14.3.
Variant type: single nucleotide variant.
Coding change: c.1883A>G on transcript NM_000053.4 (MANE Select); coding-DNA position 1883, A replaced by G.
Protein change: p.His628Arg; replaces histidine 628 with arginine.
Molecular consequence: missense variant. On other transcripts: intron variant (2).
Genome position (GRCh38, 1-based): chr13:51,961,900, T>C on the plus strand (A>G on the coding strand, the complement: ATP7B is on the minus strand). VCF-style: chr13-51961900-T-C. GRCh37 (hg19) VCF-style: chr13-52536036-T-C.
Other names: c.1550A>G, p.His517Arg (NM_001243182.2); c.1883A>G, p.His628Arg (NM_001330578.2); c.1869+2972A>G (NM_001005918.3, NM_001330579.2); short protein forms H517R, H628R.
Identifiers: ClinVar variation 763412 (VCV000763412.12), dbSNP rs528763888, ClinGen allele CA6989184.